The following is an entry in ClinVar:

ClinVar aggregate classification (germline): Uncertain significance (0 of 4 stars; one submission).

Conditions:
MEGF8-related disorder. Also called: MEGF8-related condition.

Allele frequency attached by ClinVar (database versions not stated): TOPMed below 0.00001; ExAC 0.00001; gnomAD 0.00001; gnomAD exomes 0.00001.
gnomAD v4.1: 7 of 1,611,818 alleles (0.00043%); highest among the groups gnomAD compares: Admixed American, 0.0017%; no homozygotes.

Submission:

PreventionGenetics, part of Exact Sciences
Classification: Uncertain significance for MEGF8-related condition. Last evaluated: 2024-01-22. Review status: no assertion criteria provided. Collection method: clinical testing. Allele origin: germline.
Comment: The MEGF8 c.2152C>T variant is predicted to result in the amino acid substitution p.Arg718Cys. To our knowledge, this variant has not been reported in the literature. This variant is reported in 0.0018% of alleles in individuals of European (Non-Finnish) descent in gnomAD. At this time, the clinical significance of this variant is uncertain due to the absence of conclusive functional and genetic evidence.

NM_001271938.2(MEGF8):c.2353C>T (p.Arg785Cys)

Gene: MEGF8 (multiple EGF like domains 8; plus strand). Cytogenetic location: 19q13.2.
Variant type: single nucleotide variant.
Coding change: c.2353C>T on transcript NM_001271938.2 (MANE Select); coding-DNA position 2353, C replaced by T.
Protein change: p.Arg785Cys; replaces arginine 785 with cysteine.
Molecular consequence: missense variant.
Genome position (GRCh38, 1-based): chr19:42,349,553, C>T. VCF-style: chr19-42349553-C-T. GRCh37 (hg19) VCF-style: chr19-42853705-C-T.
Other names: c.2152C>T, p.Arg718Cys (NM_001410.3); short protein forms R718C, R785C.
Identifiers: ClinVar variation 3031650 (VCV003031650.2), dbSNP rs746842471, ClinGen allele CA9474711.
Genomic context (GRCh38, chr19:42,349,553, plus strand): 5'-CCCCAGGAGGAGGTGGGGCGCTGGGTGGCTCATCAGGAGAAGGAGACGCGGCGGCTGCAG[C>T]GCCCTGGGTCTGCTCGCCTCTTCCCTCTGCCTGGGCGGGACCACAAGTATGCAGTAGAGA-3'
Protein context (NP_001258867.1, residues 775-795): HQEKETRRLQ[Arg785Cys]PGSARLFPLP